The following is an entry in ClinVar:

ClinVar aggregate classification (germline): Uncertain significance (0 of 4 stars; one submission).

Conditions:
Neurofibromatosis, type 2 (SWNV). Also called: BILATERAL ACOUSTIC NEUROFIBROMATOSIS; NF2-Related Schwannomatosis; SCHWANNOMATOSIS, VESTIBULAR. Identifiers: Orphanet 637, MedGen C0027832, MONDO:0007039, OMIM 101000. Disease mechanism: loss of function.

Submission:

Department of Pathology and Laboratory Medicine, Sinai Health System
Classification: Uncertain significance for Neurofibromatosis, type 2. Review status: no assertion criteria provided. Collection method: clinical testing. Allele origin: unknown. Affected: yes. Study: The Canadian Open Genetics Repository (COGR).
Comment: The NF2 n.558-8delT variant was not identified in the literature no ClinVar database. The variant was identified in dbSNP (ID: rs5844863) database. The variant was not identified in the following control databases: the 1000 Genomes Project, the NHLBI GO Exome Sequencing Project, or the Genome Aggregation Database (March 6, 2019, v2.1.1).Â¬â€

NM_000268.4(NF2):c.115-8101del

Gene: NF2 (NF2, moesin-ezrin-radixin like (MERLIN) tumor suppressor; plus strand). Cytogenetic location: 22q12.2.
Variant type: Deletion.
Coding change: c.115-8101del on transcript NM_000268.4 (MANE Select); 8101 bases into the intron before coding-DNA position 115, one base deleted (T; older notation c.115-8101delT).
Molecular consequence: intron variant.
Genome position (GRCh38, 1-based): chr22:29,628,650, T deleted; the last of 23 consecutive T bases (chr22:29,628,628-29,628,650); deleting any one gives the same sequence. VCF-style (leftmost placement, unchanged base first): chr22-29628627-CT-C. GRCh37 (hg19) VCF-style: chr22-30024616-CT-C.
Other names: c.115-8101del (NM_016418.5, NM_181832.3, NM_181833.3 and 2 more transcripts); c.115-10440del (NM_181828.3); c.115-13552del (NM_181830.3, NM_181831.3).
Identifiers: ClinVar variation 1050057 (VCV001050057.1), dbSNP rs5844863, ClinGen allele CA323114375.